The following is an entry in ClinVar:

ClinVar aggregate classification (germline): Uncertain significance (1 of 4 stars; one submission).

Submission:

Labcorp Genetics (formerly Invitae), Labcorp
Classification: Uncertain significance. Last evaluated: 2023-07-10. Review status: criteria provided, single submitter. Criteria: Invitae Variant Classification Sherloc (09022015). Collection method: clinical testing. Allele origin: germline.
Comment: This sequence change replaces alanine, which is neutral and non-polar, with proline, which is neutral and non-polar, at codon 4442 of the USH2A protein (p.Ala4442Pro). This variant is not present in population databases (gnomAD no frequency). This variant has not been reported in the literature in individuals affected with USH2A-related conditions. Advanced modeling of protein sequence and biophysical properties (such as structural, functional, and spatial information, amino acid conservation, physicochemical variation, residue mobility, and thermodynamic stability) has been performed at Invitae for this missense variant, however the output from this modeling did not meet the statistical confidence thresholds required to predict the impact of this variant on USH2A protein function. In summary, the available evidence is currently insufficient to determine the role of this variant in disease. Therefore, it has been classified as a Variant of Uncertain Significance.

NM_206933.4(USH2A):c.13324G>C (p.Ala4442Pro)

Gene: USH2A (usherin; minus strand). Cytogenetic location: 1q41.
Variant type: single nucleotide variant.
Coding change: c.13324G>C on transcript NM_206933.4 (MANE Select); coding-DNA position 13324, G replaced by C.
Protein change: p.Ala4442Pro; replaces alanine 4442 with proline.
Molecular consequence: missense variant.
Genome position (GRCh38, 1-based): chr1:215,674,587, C>G on the plus strand (G>C on the coding strand, the complement: USH2A is on the minus strand). VCF-style: chr1-215674587-C-G. GRCh37 (hg19) VCF-style: chr1-215847929-C-G.
Other names: short protein forms A4442P.
Identifiers: ClinVar variation 2996591 (VCV002996591.3), dbSNP rs2464895934, ClinGen allele CA344845705.